The following is an entry in ClinVar:

ClinVar aggregate classification (germline): Benign/Likely benign. Review status: criteria provided, multiple submitters, no conflicts (2 of 4 stars). 9 submissions from 9 submitters: Benign (1); Likely benign (7). 1 of the submissions does not count toward it. Last evaluated 2025-11-08.

Conditions:
MYBPC3-related disorder. Also called: MYBPC3-related disorders; MYBPC3-related condition; MYBPC3-related disease.
Cardiovascular phenotype. Identifiers: MedGen CN230736.
Hypertrophic cardiomyopathy 4. Also called: Familial hypertrophic cardiomyopathy 4. Identifiers: MedGen C1861862, MONDO:0007268, OMIM 115197.
Left ventricular noncompaction 10 (LVNC10). Identifiers: Orphanet 154, Orphanet 54260, MedGen C3715165, MONDO:0014163, OMIM 615396.
Cardiomyopathy (CMYO). Also called: Cardiomyopathies. Identifiers: Orphanet 167848, MedGen C0878544, MONDO:0004994, HP:0001638. Inheritance: Various modes of inheritance.
Hypertrophic cardiomyopathy. Also called: HYPERTROPHIC MYOCARDIOPATHY. Identifiers: Orphanet 217569, MedGen C0007194, MeSH D002312, MONDO:0005045, HP:0001639.

Allele frequency attached by ClinVar (database versions not stated): TOPMed 0.00002; gnomAD 0.00004 and 0.00005; gnomAD exomes 0.00009 and 0.00017; ExAC 0.00020.
gnomAD v4.1: 141 of 1,603,074 alleles (0.0088%); highest among the groups gnomAD compares: South Asian, 0.13%; 3 homozygotes.

Submissions (9):

Labcorp Genetics (formerly Invitae), Labcorp
Classification: Likely benign for Hypertrophic cardiomyopathy. Last evaluated: 2025-11-08. Review status: criteria provided, single submitter. Criteria: Invitae Variant Classification Sherloc (09022015). Collection method: clinical testing. Allele origin: germline.

Blueprint Genetics
Classification: Likely benign. Last evaluated: 2024-10-25. Review status: criteria provided, single submitter. Criteria: ACMG Guidelines, 2015. Collection method: clinical testing. Allele origin: germline.

All of Us Research Program, National Institutes of Health
Classification: Likely benign for Hypertrophic cardiomyopathy. Last evaluated: 2023-12-13. Review status: criteria provided, single submitter. Criteria: ACMG Guidelines, 2015. Collection method: clinical testing. Allele origin: germline. Inheritance: Autosomal dominant inheritance. Observed: 9 variant alleles, 9 heterozygotes.
Comment: This study involves interpretation of variants in research participants for the purpose of population health screening. Participant phenotype was not available at the time of variant classification. Additional details can be found in publication PMID: 35346344, PMCID: PMC8962531

CHEO Genetics Diagnostic Laboratory, Children's Hospital of Eastern Ontario
Classification: Likely benign for Cardiomyopathy. Last evaluated: 2022-11-08. Review status: criteria provided, single submitter. Criteria: ACMG Guidelines, 2015. Collection method: clinical testing. Allele origin: germline.

Ambry Genetics
Classification: Likely benign for Cardiovascular phenotype. Last evaluated: 2022-01-12. Review status: criteria provided, single submitter. Criteria: Ambry Variant Classification Scheme 2023. Collection method: clinical testing. Allele origin: germline.

Fulgent Genetics
Classification: Likely benign for Hypertrophic cardiomyopathy 4; Left ventricular noncompaction 10. Last evaluated: 2021-10-17. Review status: criteria provided, single submitter. Criteria: ACMG Guidelines, 2015. Collection method: clinical testing. Allele origin: unknown.

Color Diagnostics, LLC DBA Color Health
Classification: Likely benign for Cardiomyopathy. Last evaluated: 2020-04-08. Review status: criteria provided, single submitter. Criteria: ACMG Guidelines, 2015. Collection method: clinical testing. Allele origin: germline.

Mendelics
Classification: Benign for Hypertrophic cardiomyopathy 4. Last evaluated: 2019-05-28. Review status: criteria provided, single submitter. Criteria: Mendelics Assertion Criteria 2017. Collection method: clinical testing. Allele origin: unknown.

PreventionGenetics, part of Exact Sciences
Classification: Likely benign for MYBPC3-related condition. Last evaluated: 2024-06-27. Review status: no assertion criteria provided. Collection method: clinical testing. Allele origin: germline. Not counted in ClinVar's aggregate classification.
Comment: This variant is classified as likely benign based on ACMG/AMP sequence variant interpretation guidelines (Richards et al. 2015 PMID: 25741868, with internal and published modifications).

Literature cited by the submitters: PubMed 21750094 (cited by Ambry Genetics); PubMed 28255936 (cited by Ambry Genetics).

NM_000256.3(MYBPC3):c.82G>A (p.Val28Met)

Gene: MYBPC3 (myosin binding protein C3; minus strand). Cytogenetic location: 11p11.2.
Variant type: single nucleotide variant.
Coding change: c.82G>A on transcript NM_000256.3 (MANE Select); coding-DNA position 82, G replaced by A.
Protein change: p.Val28Met; replaces valine 28 with methionine.
Molecular consequence: missense variant.
Genome position (GRCh38, 1-based): chr11:47,351,449, C>T on the plus strand (G>A on the coding strand, the complement: MYBPC3 is on the minus strand). VCF-style: chr11-47351449-C-T. GRCh37 (hg19) VCF-style: chr11-47373000-C-T.
Other names: c.82G>A, p.Val28Met (LRG_386t1); short protein forms V28M.
Identifiers: ClinVar variation 215678 (VCV000215678.22), dbSNP rs776834755, ClinGen allele CA057025.